The following is an entry in ClinVar:

ClinVar aggregate classification (germline): Uncertain significance. Review status: criteria provided, multiple submitters, no conflicts (2 of 4 stars). 2 submissions from 2 submitters: Uncertain significance (2). Last evaluated 2025-08-01.

Conditions:
Inborn genetic diseases. Identifiers: MedGen C0950123, MeSH D030342.

Allele frequency attached by ClinVar (database versions not stated): ExAC 0.00002; TOPMed 0.00003; gnomAD 0.00004; ESP Exome Variant Server 0.00008; 1000 Genomes Project 30x 0.00016; 1000 Genomes Project 0.00020.
gnomAD v4.1: 56 of 1,612,146 alleles (0.0035%); highest among the groups gnomAD compares: East Asian, 0.011%; no homozygotes.

Submissions (2):

Ambry Genetics
Classification: Uncertain significance for Inborn genetic diseases. Last evaluated: 2025-08-01. Review status: criteria provided, single submitter. Criteria: Ambry Variant Classification Scheme 2023. Collection method: clinical testing. Allele origin: germline.

Labcorp Genetics (formerly Invitae), Labcorp
Classification: Uncertain significance. Last evaluated: 2022-06-03. Review status: criteria provided, single submitter. Criteria: Invitae Variant Classification Sherloc (09022015). Collection method: clinical testing. Allele origin: germline.
Comment: This sequence change replaces alanine, which is neutral and non-polar, with threonine, which is neutral and polar, at codon 651 of the TRAF3IP1 protein (p.Ala651Thr). This variant is present in population databases (rs199665200, gnomAD 0.007%). This variant has not been reported in the literature in individuals affected with TRAF3IP1-related conditions. ClinVar contains an entry for this variant (Variation ID: 934095). Algorithms developed to predict the effect of missense changes on protein structure and function are either unavailable or do not agree on the potential impact of this missense change (SIFT: "Tolerated"; PolyPhen-2: "Possibly Damaging"; Align-GVGD: "Class C0"). In summary, the available evidence is currently insufficient to determine the role of this variant in disease. Therefore, it has been classified as a Variant of Uncertain Significance.

NM_015650.4(TRAF3IP1):c.1951G>A (p.Ala651Thr)

Gene: TRAF3IP1 (TRAF3 interacting protein 1; plus strand). Cytogenetic location: 2q37.3.
Variant type: single nucleotide variant.
Coding change: c.1951G>A on transcript NM_015650.4 (MANE Select); coding-DNA position 1951, G replaced by A.
Protein change: p.Ala651Thr; replaces alanine 651 with threonine.
Molecular consequence: missense variant.
Genome position (GRCh38, 1-based): chr2:238,398,794, G>A. VCF-style: chr2-238398794-G-A. GRCh37 (hg19) VCF-style: chr2-239307435-G-A.
Other names: c.1753G>A, p.Ala585Thr (NM_001139490.1); short protein forms A585T, A651T.
Identifiers: ClinVar variation 934095 (VCV000934095.7), dbSNP rs199665200, ClinGen allele CA2198627.